The following is an entry in ClinVar:

NM_005529.7(HSPG2):c.12364G>A (p.Ala4122Thr)

Gene: HSPG2 (heparan sulfate proteoglycan 2; minus strand). Cytogenetic location: 1p36.12.
Variant type: single nucleotide variant.
Coding change: c.12364G>A on transcript NM_005529.7 (MANE Select); coding-DNA position 12364, G replaced by A.
Protein change: p.Ala4122Thr; replaces alanine 4122 with threonine.
Molecular consequence: missense variant.
Genome position (GRCh38, 1-based): chr1:21,828,300, C>T on the plus strand (G>A on the coding strand, the complement: HSPG2 is on the minus strand). VCF-style: chr1-21828300-C-T. GRCh37 (hg19) VCF-style: chr1-22154793-C-T.
Other names: c.12367G>A, p.Ala4123Thr (NM_001291860.2); short protein forms A4122T, A4123T.
Identifiers: ClinVar variation 1344987 (VCV001344987.9), dbSNP rs776288513, ClinGen allele CA669456.

ClinVar aggregate classification (germline): Uncertain significance. Review status: criteria provided, multiple submitters, no conflicts (2 of 4 stars). 4 submissions from 4 submitters: Uncertain significance (4). Last evaluated 2025-09-29.

Conditions:
Inborn genetic diseases. Identifiers: MedGen C0950123, MeSH D030342.

Allele frequency attached by ClinVar (database versions not stated): gnomAD exomes 0.00004; ExAC 0.00006.
gnomAD v4.1: 49 of 1,613,664 alleles (0.003%); highest among the groups gnomAD compares: African/African-American, 0.0053%; no homozygotes.

Submissions (4):

Labcorp Genetics (formerly Invitae), Labcorp
Classification: Uncertain significance. Last evaluated: 2025-09-29. Review status: criteria provided, single submitter. Criteria: Invitae Variant Classification Sherloc (09022015). Collection method: clinical testing. Allele origin: germline.
Comment: This sequence change replaces alanine, which is neutral and non-polar, with threonine, which is neutral and polar, at codon 4122 of the HSPG2 protein (p.Ala4122Thr). This variant is present in population databases (rs776288513, gnomAD 0.009%). This variant has not been reported in the literature in individuals affected with HSPG2-related conditions. ClinVar contains an entry for this variant (Variation ID: 1344987). An algorithm developed to predict the effect of missense changes on protein structure and function outputs the following: PolyPhen-2: "Benign". The threonine amino acid residue is found in multiple mammalian species, which suggests that this missense change does not adversely affect protein function. In summary, the available evidence is currently insufficient to determine the role of this variant in disease. Therefore, it has been classified as a Variant of Uncertain Significance.

Ambry Genetics
Classification: Uncertain significance for Inborn genetic diseases. Last evaluated: 2024-06-22. Review status: criteria provided, single submitter. Criteria: Ambry Variant Classification Scheme 2023. Collection method: clinical testing. Allele origin: germline.

GeneDx
Classification: Uncertain significance. Last evaluated: 2022-02-03. Review status: criteria provided, single submitter. Criteria: GeneDx Variant Classification Process June 2021. Collection method: clinical testing. Allele origin: germline. Affected: yes.
Comment: In silico analysis supports that this missense variant does not alter protein structure/function; Has not been previously published as pathogenic or benign to our knowledge

AiLife Diagnostics
Classification: Uncertain significance. Last evaluated: 2020-07-21. Review status: criteria provided, single submitter. Criteria: ACMG Guidelines, 2015. Collection method: clinical testing. Allele origin: germline. Affected: yes. Observed: 1 variant allele.